The following is an entry in ClinVar:

NM_022773.4(LMF1):c.574A>G (p.Thr192Ala)

Gene: LMF1 (lipase maturation factor 1; minus strand). Cytogenetic location: 16p13.3.
Variant type: single nucleotide variant.
Coding change: c.574A>G on transcript NM_022773.4 (MANE Select); coding-DNA position 574, A replaced by G.
Protein change: p.Thr192Ala; replaces threonine 192 with alanine.
Molecular consequence: missense variant. On other transcripts: 5 prime UTR variant (2), non-coding transcript variant (1).
Genome position (GRCh38, 1-based): chr16:911,020, T>C on the plus strand (A>G on the coding strand, the complement: LMF1 is on the minus strand). VCF-style: chr16-911020-T-C. GRCh37 (hg19) VCF-style: chr16-961020-T-C.
Other names: c.-78A>G (NM_001352017.2, NM_001352021.2); c.175A>G, p.Thr59Ala (NM_001352018.2); c.247A>G, p.Thr83Ala (NM_001352019.2); c.574A>G, p.Thr192Ala (NM_001352020.1); short protein forms T83A, T192A, T59A.
Identifiers: ClinVar variation 2566295 (VCV002566295.2), dbSNP rs1385005508, ClinGen allele CA394115616.

ClinVar aggregate classification (germline): Uncertain significance (1 of 4 stars; one submission).

Conditions:
Cardiovascular phenotype. Identifiers: MedGen CN230736.

Allele frequency attached by ClinVar (database versions not stated): gnomAD exomes 0.00002.
gnomAD v4.1: 24 of 1,612,886 alleles (0.0015%); highest among the groups gnomAD compares: Non-Finnish European, 0.0019%; no homozygotes.

Submission:

Ambry Genetics
Classification: Uncertain significance for Cardiovascular phenotype. Last evaluated: 2023-05-29. Review status: criteria provided, single submitter. Criteria: Ambry Variant Classification Scheme 2023. Collection method: clinical testing. Allele origin: germline.
Comment: The p.T192A variant (also known as c.574A>G), located in coding exon 4 of the LMF1 gene, results from an A to G substitution at nucleotide position 574. The threonine at codon 192 is replaced by alanine, an amino acid with similar properties. This amino acid position is conserved. In addition, this alteration is predicted to be tolerated by in silico analysis. Since supporting evidence is limited at this time, the clinical significance of this alteration remains unclear.